The following is an entry in ClinVar:

ClinVar aggregate classification (germline): Uncertain significance. Review status: criteria provided, multiple submitters, no conflicts (2 of 4 stars). 2 submissions from 2 submitters: Uncertain significance (2). Last evaluated 2026-03-12.

Conditions:
Inborn genetic diseases. Identifiers: MedGen C0950123, MeSH D030342.
Hyper-IgM syndrome type 1. Also called: Hyper-IgM Immunodeficiency Syndrome, Type 1; CD40 Ligand Deficiency; X-linked hyper-IgM syndrome; Immunodeficiency, X-linked, with hyper-IgM. Identifiers: Orphanet 101088, MedGen C0398689, MONDO:0010626, OMIM 308230.

gnomAD v4.1: 1 of 1,208,248 alleles (0.000083%); highest among the groups gnomAD compares: African/African-American, 0.0017%; no homozygotes.

Submissions (2):

Ambry Genetics
Classification: Uncertain significance for Inborn genetic diseases. Last evaluated: 2026-03-12. Review status: criteria provided, single submitter. Criteria: Ambry Variant Classification Scheme 2023. Collection method: clinical testing. Allele origin: germline.

Labcorp Genetics (formerly Invitae), Labcorp
Classification: Uncertain significance for Hyper-IgM syndrome type 1. Last evaluated: 2022-10-24. Review status: criteria provided, single submitter. Criteria: Invitae Variant Classification Sherloc (09022015). Collection method: clinical testing. Allele origin: germline.
Comment: This sequence change replaces glycine, which is neutral and non-polar, with aspartic acid, which is acidic and polar, at codon 116 of the CD40LG protein (p.Gly116Asp). This variant is not present in population databases (gnomAD no frequency). This variant has not been reported in the literature in individuals affected with CD40LG-related conditions. ClinVar contains an entry for this variant (Variation ID: 1399188). Algorithms developed to predict the effect of missense changes on protein structure and function are either unavailable or do not agree on the potential impact of this missense change (SIFT: "Tolerated"; PolyPhen-2: "Possibly Damaging"; Align-GVGD: "Class C0"). In summary, the available evidence is currently insufficient to determine the role of this variant in disease. Therefore, it has been classified as a Variant of Uncertain Significance.

NM_000074.3(CD40LG):c.347G>A (p.Gly116Asp)

Gene: CD40LG (CD40 ligand; plus strand). Cytogenetic location: Xq26.3.
Variant type: single nucleotide variant.
Coding change: c.347G>A on transcript NM_000074.3 (MANE Select); coding-DNA position 347, G replaced by A.
Protein change: p.Gly116Asp; replaces glycine 116 with aspartic acid.
Molecular consequence: missense variant.
Genome position (GRCh38, 1-based): chrX:136,656,356, G>A. VCF-style: chrX-136656356-G-A. GRCh37 (hg19) VCF-style: chrX-135738515-G-A.
Other names: c.347G>A (NM_000074.2); short protein forms G116D.
Identifiers: ClinVar variation 1399188 (VCV001399188.6), dbSNP rs2148552902, ClinGen allele CA414754914.